The following is an entry in ClinVar:

GRCh38/hg38 4p16.3-13(chr4:2904667-42963232)x3

Genes: ABLIM2 (actin binding LIM protein family member 2; minus strand), ACOX3 (acyl-CoA oxidase 3, pristanoyl; minus strand), ADD1 (adducin 1; plus strand), ADGRA3 (adhesion G protein-coupled receptor A3; minus strand), ADRA2C (adrenoceptor alpha 2C; plus strand) and 976 more. Cytogenetic location: 4p16.3-13.
Variant type: copy number gain.
Change: copy number 3 (three copies instead of two) of chr4:2,904,667-42,963,232 (40.06 Mb, GRCh38 coordinates, 1-based), cytogenetic band 4p16.3-13.
Identifiers: ClinVar variation 2579173 (VCV002579173.1).

ClinVar aggregate classification (germline): Pathogenic (1 of 4 stars; one submission).

Conditions:
Neurodevelopmental disorder. Identifiers: MedGen C1535926, MeSH D065886, MONDO:0700092.

Submission:

Broad Center for Mendelian Genomics, Broad Institute of MIT and Harvard
Classification: Pathogenic for Neurodevelopmental disorder. Last evaluated: 2023-08-24. Review status: criteria provided, single submitter. Criteria: ACMG/ClinGen CNV Guidelines, 2019. Collection method: research. Allele origin: de novo. Inheritance: Autosomal dominant inheritance. Affected: yes.
Comment: These breakpoints have been estimated by exome sequencing only and therefore may not reflect the true breakpoints. The patient phenotype is nonspecific, but is consistent with cases described in the literature and/or published databases with overlapping variants. There are no known triplosensitive genes contained within the duplicated region, but a triplosensitivity predictor suggests that multiple genes (PHOX2B, HTT, RBPJ, PDS5A, RGS12) included in this duplication are triplosensitive. In summary, the 4p16.3-p13 duplication meets criteria to be classified as pathogenic. The ACMG/ClinGen evidence codes and points used in this curation are as follows: 1: 0 points, 2: 0 points, 3: 0.90 points, 4-5: 0.15 points; Total: 1.05 points; Riggs 2020 (PMID: 31690835).